The following is an entry in ClinVar:

ClinVar aggregate classification (germline): Pathogenic/Likely pathogenic. Review status: criteria provided, multiple submitters, no conflicts (2 of 4 stars). 2 submissions from 2 submitters: Pathogenic (1); Likely pathogenic (1). Last evaluated 2024-05-16.

Conditions:
Merosin deficient congenital muscular dystrophy (MDC1A). Also called: Congenital merosin-deficient muscular dystrophy 1A; Congenital Muscular Dystrophy Type 1A (MDC1A). Identifiers: Orphanet 258, MedGen C1263858, MONDO:0011925, OMIM 607855.
Muscular dystrophy, limb-girdle, autosomal recessive 23. Identifiers: Orphanet 565837, MedGen C4748327, MONDO:0029136, OMIM 618138.
LAMA2-related muscular dystrophy (LAMA2-RD). Also called: Laminin alpha 2-related dystrophy. Identifiers: MedGen C5679788, MONDO:0100228.

Submissions (2):

Fulgent Genetics
Classification: Likely pathogenic for Merosin deficient congenital muscular dystrophy; Muscular dystrophy, limb-girdle, autosomal recessive 23. Last evaluated: 2024-05-16. Review status: criteria provided, single submitter. Criteria: ACMG Guidelines, 2015. Collection method: clinical testing. Allele origin: germline.

Labcorp Genetics (formerly Invitae), Labcorp
Classification: Pathogenic for LAMA2-related muscular dystrophy. Last evaluated: 2023-12-29. Review status: criteria provided, single submitter. Criteria: Invitae Variant Classification Sherloc (09022015). Collection method: clinical testing. Allele origin: germline.
Comment: This sequence change creates a premature translational stop signal (p.Ser2149Phefs*4) in the LAMA2 gene. It is expected to result in an absent or disrupted protein product. Loss-of-function variants in LAMA2 are known to be pathogenic (PMID: 18700894, 32904964). This variant is not present in population databases (gnomAD no frequency). This variant has not been reported in the literature in individuals affected with LAMA2-related conditions. For these reasons, this variant has been classified as Pathogenic.

Literature cited by the submitters: PubMed 18700894 (cited by Labcorp Genetics (formerly Invitae), Labcorp); PubMed 32904964 (cited by Labcorp Genetics (formerly Invitae), Labcorp).

NM_000426.4(LAMA2):c.6444_6445del (p.Ser2149fs)

Gene: LAMA2 (laminin subunit alpha 2; plus strand). Cytogenetic location: 6q22.33.
Variant type: Microsatellite.
Coding change: c.6444_6445del on transcript NM_000426.4 (MANE Select); coding-DNA positions 6444 to 6445, 2 bases deleted (GT; older notation c.6444_6445delGT).
Protein change: p.Ser2149fs; shifts the reading frame from serine 2149.
Molecular consequence: frameshift variant.
Genome position (GRCh38, 1-based): chr6:129,453,002-129,453,003, GT deleted; deleting any 2 consecutive bases within chr6:129,452,999-129,453,003 gives the same sequence; the c. name uses the placement nearest the transcript's 3' end. VCF-style (leftmost placement, unchanged base first): chr6-129452998-CTG-C. GRCh37 (hg19) VCF-style: chr6-129774143-CTG-C.
Other names: c.6444_6445del, p.Ser2149fs (NM_001079823.2); short protein forms S2149fs.
Identifiers: ClinVar variation 2706272 (VCV002706272.4), dbSNP rs2533416225, ClinGen allele CA2578737684.